The following is an entry in ClinVar:

ClinVar aggregate classification (germline): Uncertain significance (1 of 4 stars; one submission).

Submission:

GeneDx
Classification: Uncertain significance. Last evaluated: 2020-09-21. Review status: criteria provided, single submitter. Criteria: GeneDx Variant Classification Process June 2021. Collection method: clinical testing. Allele origin: germline. Affected: yes.
Comment: Not observed in large population cohorts (Lek et al., 2016); In silico analysis supports that this missense variant has a deleterious effect on protein structure/function; Has not been previously published as pathogenic or benign to our knowledge

NM_004606.5(TAF1):c.3176A>G (p.His1059Arg)

Gene: TAF1 (TATA-box binding protein associated factor 1; plus strand). Cytogenetic location: Xq13.1.
Variant type: single nucleotide variant.
Coding change: c.3176A>G on transcript NM_004606.5 (MANE Select); coding-DNA position 3176, A replaced by G.
Protein change: p.His1059Arg; replaces histidine 1059 with arginine.
Molecular consequence: missense variant. On other transcripts: non-coding transcript variant (9).
Genome position (GRCh38, 1-based): chrX:71,393,425, A>G. VCF-style: chrX-71393425-A-G. GRCh37 (hg19) VCF-style: chrX-70613275-A-G.
Other names: c.3176A>G, p.His1059Arg (NM_001286074.2); c.3113A>G, p.His1038Arg (NM_138923.4); short protein forms H1038R, H1059R.
Identifiers: ClinVar variation 1301222 (VCV001301222.2), dbSNP rs2148378813, ClinGen allele CA413526688.